The following is an entry in ClinVar:

ClinVar aggregate classification (germline): Uncertain significance (1 of 4 stars; one submission).

gnomAD v4.1: 1 of 1,614,186 alleles (0.000062%); no homozygotes.

Submission:

Labcorp Genetics (formerly Invitae), Labcorp
Classification: Uncertain significance. Last evaluated: 2023-12-11. Review status: criteria provided, single submitter. Criteria: Invitae Variant Classification Sherloc (09022015). Collection method: clinical testing. Allele origin: germline.
Comment: This sequence change replaces serine, which is neutral and polar, with threonine, which is neutral and polar, at codon 1256 of the POLR1A protein (p.Ser1256Thr). This variant is not present in population databases (gnomAD no frequency). This variant has not been reported in the literature in individuals affected with POLR1A-related conditions. Advanced modeling of protein sequence and biophysical properties (such as structural, functional, and spatial information, amino acid conservation, physicochemical variation, residue mobility, and thermodynamic stability) performed at Invitae indicates that this missense variant is not expected to disrupt POLR1A protein function with a negative predictive value of 80%. In summary, the available evidence is currently insufficient to determine the role of this variant in disease. Therefore, it has been classified as a Variant of Uncertain Significance.

NM_015425.6(POLR1A):c.3767G>C (p.Ser1256Thr)

Genes: POLR1A (RNA polymerase I subunit A; minus strand), LOC106783498 (conserved acetylation island sequence 34 enhancer; plus strand). Cytogenetic location: 2p11.2.
Variant type: single nucleotide variant.
Coding change: c.3767G>C on transcript NM_015425.6 (MANE Select); coding-DNA position 3767, G replaced by C.
Protein change: p.Ser1256Thr; replaces serine 1256 with threonine.
Molecular consequence: missense variant.
Genome position (GRCh38, 1-based): chr2:86,039,436, C>G on the plus strand (G>C on the coding strand, the complement: POLR1A is on the minus strand). VCF-style: chr2-86039436-C-G. GRCh37 (hg19) VCF-style: chr2-86266559-C-G.
Other names: short protein forms S1256T.
Identifiers: ClinVar variation 2976433 (VCV002976433.3), dbSNP rs753731277, ClinGen allele CA347550979.